The following is an entry in ClinVar:

NM_019842.4(KCNQ5):c.1906G>C (p.Ala636Pro)

Gene: KCNQ5 (potassium voltage-gated channel subfamily Q member 5; plus strand). Cytogenetic location: 6q13.
Variant type: single nucleotide variant.
Coding change: c.1906G>C on transcript NM_019842.4 (MANE Select); coding-DNA position 1906, G replaced by C.
Protein change: p.Ala636Pro; replaces alanine 636 with proline.
Molecular consequence: missense variant.
Genome position (GRCh38, 1-based): chr6:73,194,521, G>C. VCF-style: chr6-73194521-G-C. GRCh37 (hg19) VCF-style: chr6-73904244-G-C.
Other names: c.1963G>C (NM_001160133.1); c.1879G>C, p.Ala627Pro (NM_001160130.2); c.1936G>C, p.Ala646Pro (NM_001160132.2); c.1963G>C, p.Ala655Pro (NM_001160133.2); c.1576G>C, p.Ala526Pro (NM_001160134.2); short protein forms A526P, A627P, A636P, A646P, A655P.
Identifiers: ClinVar variation 1013513 (VCV001013513.43), dbSNP rs774223061, ClinGen allele CA3887171.
Genomic context (GRCh38, chr6:73,194,521, plus strand): 5'-ATAGAATCCAAGCTGGACTGCCTACTAGACATCTATCAACAGGTCCTTCGGAAAGGCTCT[G>C]CCTCAGCCCTCGCTTTGGCTTCATTCCAGATCCCACCTTTTGAATGTGAACAGACATCTG-3'
Protein context (NP_062816.2, residues 626-646): IYQQVLRKGS[Ala636Pro]SALALASFQI

ClinVar aggregate classification (germline): Conflicting classifications of pathogenicity. Review status: criteria provided, conflicting classifications (1 of 4 stars). 3 submissions from 3 submitters: Uncertain significance (2); Likely benign (1). Last evaluated 2023-08-23.

Conditions:
Inborn genetic diseases. Identifiers: MedGen C0950123, MeSH D030342.

Allele frequency attached by ClinVar (database versions not stated): gnomAD 0.00001; TOPMed 0.00001; ExAC 0.00004; gnomAD exomes 0.00004.
gnomAD v4.1: 80 of 1,614,088 alleles (0.005%); highest among the groups gnomAD compares: Non-Finnish European, 0.0067%; no homozygotes.

Submissions (3):

Ambry Genetics
Classification: Likely benign for Inborn genetic diseases. Last evaluated: 2023-08-23. Review status: criteria provided, single submitter. Criteria: Ambry Variant Classification Scheme 2023. Collection method: clinical testing. Allele origin: germline.

Labcorp Genetics (formerly Invitae), Labcorp
Classification: Uncertain significance. Last evaluated: 2023-07-30. Review status: criteria provided, single submitter. Criteria: Invitae Variant Classification Sherloc (09022015). Collection method: clinical testing. Allele origin: germline.
Comment: This sequence change replaces alanine, which is neutral and non-polar, with proline, which is neutral and non-polar, at codon 655 of the KCNQ5 protein (p.Ala655Pro). This variant is present in population databases (rs774223061, gnomAD 0.008%). This variant has not been reported in the literature in individuals affected with KCNQ5-related conditions. ClinVar contains an entry for this variant (Variation ID: 1013513). Advanced modeling of protein sequence and biophysical properties (such as structural, functional, and spatial information, amino acid conservation, physicochemical variation, residue mobility, and thermodynamic stability) performed at Invitae indicates that this missense variant is not expected to disrupt KCNQ5 protein function. In summary, the available evidence is currently insufficient to determine the role of this variant in disease. Therefore, it has been classified as a Variant of Uncertain Significance.

CeGaT Center for Human Genetics Tuebingen
Classification: Uncertain significance. Last evaluated: 2020-08-01. Review status: criteria provided, single submitter. Criteria: CeGaT Center For Human Genetics Tuebingen Variant Classification Criteria Version 2. Collection method: clinical testing. Allele origin: germline. Affected: yes. Observed: 1 variant allele.